The following is an entry in ClinVar:

NM_020320.5(RARS2):c.1376dup (p.Gly460fs)

Gene: RARS2 (arginyl-tRNA synthetase 2, mitochondrial; minus strand). Cytogenetic location: 6q15.
Variant type: Duplication.
Coding change: c.1376dup on transcript NM_020320.5 (MANE Select); coding-DNA position 1376, one base duplicated (C; older notation c.1376dupC).
Protein change: p.Gly460fs; shifts the reading frame from glycine 460.
Molecular consequence: frameshift variant. On other transcripts: non-coding transcript variant (23).
Genome position (GRCh38, 1-based): chr6:87,518,669, G duplicated on the plus strand (C on the coding strand, the reverse complement: RARS2 is on the minus strand). VCF-style (leftmost placement, unchanged base first): chr6-87518668-T-TG. GRCh37 (hg19) VCF-style: chr6-88228386-T-TG.
Other names: c.851dup, p.Gly285fs (NM_001318785.2, NM_001350506.2, NM_001350507.2 and 4 more transcripts); c.1376dup, p.Gly460fs (NM_001350505.2); short protein forms G285fs, G460fs.
Identifiers: ClinVar variation 1068541 (VCV001068541.7), dbSNP rs2128000506, ClinGen allele CA2499218593.

ClinVar aggregate classification (germline): Pathogenic (1 of 4 stars; one submission).

Submission:

Labcorp Genetics (formerly Invitae), Labcorp
Classification: Pathogenic. Last evaluated: 2020-03-18. Review status: criteria provided, single submitter. Criteria: Invitae Variant Classification Sherloc (09022015). Collection method: clinical testing. Allele origin: germline.
Comment: This sequence change creates a premature translational stop signal (p.Gly460Argfs*25) in the RARS2 gene. It is expected to result in an absent or disrupted protein product. This variant is not present in population databases (ExAC no frequency). This variant has not been reported in the literature in individuals with RARS2-related conditions. Loss-of-function variants in RARS2 are known to be pathogenic (PMID: 17847012, 22569581, 26083569). For these reasons, this variant has been classified as Pathogenic.

Literature cited by the submitters: PubMed 17847012; PubMed 22569581; PubMed 26083569.